The following is an entry in ClinVar:

NM_016824.5(ADD3):c.1828+4C>T

Gene: ADD3 (adducin 3; plus strand). Cytogenetic location: 10q25.2.
Variant type: single nucleotide variant.
Coding change: c.1828+4C>T on transcript NM_016824.5 (MANE Select); 4 bases into the intron after coding-DNA position 1828, C replaced by T.
Molecular consequence: intron variant.
Genome position (GRCh38, 1-based): chr10:110,132,404, C>T. VCF-style: chr10-110132404-C-T. GRCh37 (hg19) VCF-style: chr10-111892162-C-T.
Other names: c.1828+4C>T (NM_001320591.2, NM_001320592.2, NM_001320593.2); c.1733-922C>T (NM_019903.5, NM_001121.4); c.1594+4C>T (NM_001320594.2).
Identifiers: ClinVar variation 1373769 (VCV001373769.6), dbSNP rs776710962, ClinGen allele CA5686735.

ClinVar aggregate classification (germline): Uncertain significance (1 of 4 stars; one submission).

Allele frequency attached by ClinVar (database versions not stated): gnomAD 0.00001; TOPMed 0.00007; ExAC 0.00008; gnomAD exomes 0.00013.
gnomAD v4.1: 38 of 1,595,970 alleles (0.0024%); highest among the groups gnomAD compares: Admixed American, 0.063%; no homozygotes.

Submission:

Labcorp Genetics (formerly Invitae), Labcorp
Classification: Uncertain significance. Last evaluated: 2022-08-10. Review status: criteria provided, single submitter. Criteria: Invitae Variant Classification Sherloc (09022015). Collection method: clinical testing. Allele origin: germline.
Comment: In summary, the available evidence is currently insufficient to determine the role of this variant in disease. Therefore, it has been classified as a Variant of Uncertain Significance. Variants that disrupt the consensus splice site are a relatively common cause of aberrant splicing (PMID: 17576681, 9536098). Algorithms developed to predict the effect of sequence changes on RNA splicing suggest that this variant is not likely to affect RNA splicing. ClinVar contains an entry for this variant (Variation ID: 1373769). This variant has not been reported in the literature in individuals affected with ADD3-related conditions. This variant is present in population databases (rs776710962, gnomAD 0.09%), and has an allele count higher than expected for a pathogenic variant. This sequence change falls in intron 14 of the ADD3 gene. It does not directly change the encoded amino acid sequence of the ADD3 protein. It affects a nucleotide within the consensus splice site.

Literature cited by the submitters: PubMed 17576681; PubMed 9536098.